The following is an entry in ClinVar:

ClinVar aggregate classification (germline): Likely benign. Review status: criteria provided, multiple submitters, no conflicts (2 of 4 stars). 2 submissions from 2 submitters: Likely benign (2). Last evaluated 2017-04-27.

Conditions:
Hereditary spastic paraplegia 48. Also called: SPASTIC PARAPLEGIA 48, AUTOSOMAL RECESSIVE; Spastic paraplegia 48. Identifiers: Orphanet 306511, MedGen C3150901, MONDO:0013342, OMIM 613647.

Allele frequency attached by ClinVar (database versions not stated): gnomAD exomes 0.04902; 1000 Genomes Project 0.08986; gnomAD 0.09347 and 0.09937; 1000 Genomes Project 30x 0.09603; TOPMed 0.10556.
gnomAD v4.1: 14,165 of 152,452 alleles (9.3%); highest among the groups gnomAD compares: African/African-American, 27%; 1,551 homozygotes.

Submissions (2):

Illumina Laboratory Services, Illumina
Classification: Likely benign for Hereditary spastic paraplegia 48. Last evaluated: 2017-04-27. Review status: criteria provided, single submitter. Criteria: ICSL Variant Classification Criteria 13 December 2019. Collection method: clinical testing. Allele origin: germline.
Comment: This variant was observed as part of a predisposition screen in an ostensibly healthy population. A literature search was performed for the gene, cDNA change, and amino acid change (where applicable). No publications were found based on this search. Allele frequency data from public databases allowed determination this variant is unlikely to cause disease. Therefore, this variant is classified as likely benign.

Breakthrough Genomics
Classification: Likely benign. Review status: criteria provided, single submitter. Criteria: ACMG Guidelines, 2015. Collection method: not provided. Allele origin: germline. Inheritance: Autosomal recessive inheritance. Affected: yes.

NM_014855.3(AP5Z1):c.*1505C>T

Gene: AP5Z1 (adaptor related protein complex 5 subunit zeta 1; plus strand). Cytogenetic location: 7p22.1.
Variant type: single nucleotide variant.
Coding change: c.*1505C>T on transcript NM_014855.3 (MANE Select); 1505 bases downstream of the stop codon, C replaced by T.
Molecular consequence: 3 prime UTR variant. On other transcripts: non-coding transcript variant (1).
Genome position (GRCh38, 1-based): chr7:4,792,890, C>T. VCF-style: chr7-4792890-C-T. GRCh37 (hg19) VCF-style: chr7-4832521-C-T.
Other names: c.*1505C>T (LRG_1247t1, NM_001364858.1).
Identifiers: ClinVar variation 360383 (VCV000360383.6), dbSNP rs73305396, ClinGen allele CA10629213.